The following is an entry in ClinVar:

ClinVar aggregate classification (germline): Pathogenic. Review status: criteria provided, multiple submitters, no conflicts (2 of 4 stars). 2 submissions from 2 submitters: Pathogenic (2). Last evaluated 2025-12-24.

Conditions:
NPR2-related disorder. Also called: NPR2-related disorders; NPR2-related condition.
Acromesomelic dysplasia 1, Maroteaux type (AMD1). Also called: ST. HELENA DYSPLASIA; ACROMESOMELIC DYSPLASIA 1. Identifiers: Orphanet 40, MedGen C1864356, MONDO:0011275, OMIM 602875.
Tall stature-scoliosis-macrodactyly of the great toes syndrome. Also called: Epiphyseal chondrodysplasia, miura type. Identifiers: Orphanet 329191, MedGen C4014690, MONDO:0014401, OMIM 615923.

Allele frequency attached by ClinVar (database versions not stated): gnomAD exomes below 0.00001; TOPMed below 0.00001; gnomAD 0.00001.
gnomAD v4.1: 3 of 1,613,668 alleles (0.00019%); highest among the groups gnomAD compares: African/African-American, 0.0027%; no homozygotes.

Submissions (2):

Labcorp Genetics (formerly Invitae), Labcorp
Classification: Pathogenic for Tall stature-scoliosis-macrodactyly of the great toes syndrome; Acromesomelic dysplasia 1, Maroteaux type. Last evaluated: 2025-12-24. Review status: criteria provided, single submitter. Criteria: Invitae Variant Classification Sherloc (09022015). Collection method: clinical testing. Allele origin: germline.
Comment: This sequence change creates a premature translational stop signal (p.Arg299*) in the NPR2 gene. It is expected to result in an absent or disrupted protein product. Loss-of-function variants in NPR2 are known to be pathogenic (PMID: 15146390, 15572448, 16384845). This variant is present in population databases (no rsID available, gnomAD 0.004%). This premature translational stop signal has been observed in individual(s) with NPR2-related conditions (PMID: 34653508, 40424589). ClinVar contains an entry for this variant (Variation ID: 1224426). Algorithms developed to predict the effect of sequence changes on RNA splicing suggest that this variant may disrupt the consensus splice site. For these reasons, this variant has been classified as Pathogenic.

Blueprint Genetics
Classification: Pathogenic for NPR2-related disorders. Last evaluated: 2024-01-26. Review status: criteria provided, single submitter. Criteria: ACMG Guidelines, 2015. Collection method: clinical testing. Allele origin: germline. Affected: yes. Observed: 3 variant alleles.

Literature cited by the submitters: PubMed 15146390 (cited by Labcorp Genetics (formerly Invitae), Labcorp); PubMed 15572448 (cited by Labcorp Genetics (formerly Invitae), Labcorp); PubMed 16384845 (cited by Labcorp Genetics (formerly Invitae), Labcorp); PubMed 34653508 (cited by Labcorp Genetics (formerly Invitae), Labcorp); PubMed 40424589 (cited by Labcorp Genetics (formerly Invitae), Labcorp).

NM_003995.4(NPR2):c.895C>T (p.Arg299Ter)

Gene: NPR2 (natriuretic peptide receptor 2; plus strand). Cytogenetic location: 9p13.3.
Variant type: single nucleotide variant.
Coding change: c.895C>T on transcript NM_003995.4 (MANE Select); coding-DNA position 895, C replaced by T.
Protein change: p.Arg299Ter; replaces arginine 299 with a stop codon.
Molecular consequence: nonsense.
Genome position (GRCh38, 1-based): chr9:35,799,639, C>T. VCF-style: chr9-35799639-C-T. GRCh37 (hg19) VCF-style: chr9-35799636-C-T.
Other names: c.895C>T, p.Arg299Ter (NM_001378923.1); short protein forms R299*.
Identifiers: ClinVar variation 1224426 (VCV001224426.3), dbSNP rs1255635522, ClinGen allele CA373369152.